The following is an entry in ClinVar:

NM_012062.5(DNM1L):c.370-238A>G

Gene: DNM1L (dynamin 1 like; plus strand). Cytogenetic location: 12p11.21.
Variant type: single nucleotide variant.
Coding change: c.370-238A>G on transcript NM_012062.5 (MANE Select); 238 bases into the intron before coding-DNA position 370, A replaced by G.
Molecular consequence: intron variant.
Genome position (GRCh38, 1-based): chr12:32,710,691, A>G. VCF-style: chr12-32710691-A-G. GRCh37 (hg19) VCF-style: chr12-32863625-A-G.
Other names: c.409-238A>G (NM_001278464.2, NM_001278465.2, NM_001330380.2); c.131+3278A>G (NM_001278466.2); c.370-238A>G (NM_001278463.2, NM_012063.4, NM_005690.5).
Identifiers: ClinVar variation 678576 (VCV000678576.1), dbSNP rs11052196, ClinGen allele CA15725799.
Genomic context (GRCh38, chr12:32,710,691, plus strand): 5'-AAAAGAAAGCAAAGGAAAAATTTATGTTTATAATCAAGAGAAAAGAATGTAAAATAATAC[A>G]TGGTATATAATACATGTACATATAACATGATACAGGGATAGAAGTAGGATTATAACCTGT-3'

ClinVar aggregate classification (germline): Benign (1 of 4 stars; one submission).

Allele frequency attached by ClinVar (database versions not stated): 1000 Genomes Project 0.12660; 1000 Genomes Project 30x 0.12851; gnomAD 0.14029 and 0.14339; TOPMed 0.14622.
gnomAD v4.1: 21,468 of 152,004 alleles (14%); highest among the groups gnomAD compares: Middle Eastern, 19%; 1,574 homozygotes.

Submission:

GeneDx
Classification: Benign. Last evaluated: 2018-06-14. Review status: criteria provided, single submitter. Criteria: GeneDx Variant Classification (06012015). Collection method: clinical testing. Allele origin: germline. Affected: yes.
Comment: This variant is considered likely benign or benign based on one or more of the following criteria: it is a conservative change, it occurs at a poorly conserved position in the protein, it is predicted to be benign by multiple in silico algorithms, and/or has population frequency not consistent with disease.